The following is an entry in ClinVar:

ClinVar aggregate classification (germline): Likely benign. Review status: criteria provided, multiple submitters, no conflicts (2 of 4 stars). 2 submissions from 2 submitters: Likely benign (2). Last evaluated 2025-11-18.

Conditions:
Baraitser-Winter syndrome 1 (BRWS1). Also called: BARAITSER-WINTER SYNDROME 1, ATYPICAL; PACHYGYRIA, MENTAL RETARDATION, EPILEPSY, AND CHARACTERISTIC FACIES; MENTAL RETARDATION WITH EPILEPSY AND CHARACTERISTIC FACIES; Cerebrofrontofacial syndrome. Identifiers: Orphanet 2649, Orphanet 2995, MedGen C1855722, MONDO:0009470, OMIM 243310.
ACTB-related disorder. Also called: ACTB-related disorders; ACTB-related condition.

Allele frequency attached by ClinVar (database versions not stated): gnomAD 0.00002; gnomAD exomes 0.00002; TOPMed 0.00003.
gnomAD v4.1: 50 of 1,613,878 alleles (0.0031%); highest among the groups gnomAD compares: Admixed American, 0.0067%; no homozygotes.

Submissions (2):

Labcorp Genetics (formerly Invitae), Labcorp
Classification: Likely benign for Baraitser-Winter syndrome 1. Last evaluated: 2025-11-18. Review status: criteria provided, single submitter. Criteria: Invitae Variant Classification Sherloc (09022015). Collection method: clinical testing. Allele origin: germline.

PreventionGenetics, part of Exact Sciences
Classification: Likely benign for ACTB-related condition. Last evaluated: 2025-08-11. Review status: criteria provided, single submitter. Criteria: ACMG Guidelines, 2015. Collection method: clinical testing. Allele origin: germline.
Comment: This variant is classified as likely benign based on ACMG/AMP sequence variant interpretation guidelines (Richards et al. 2015 PMID: 25741868, with internal and published modifications).

NM_001101.5(ACTB):c.465C>T (p.Ser155=)

Gene: ACTB (actin beta; minus strand). Cytogenetic location: 7p22.1.
Variant type: single nucleotide variant.
Coding change: c.465C>T on transcript NM_001101.5 (MANE Select); coding-DNA position 465, C replaced by T.
Protein change: p.Ser155=; no amino-acid change (serine 155 retained).
Molecular consequence: synonymous variant.
Genome position (GRCh38, 1-based): chr7:5,528,618, G>A on the plus strand (C>T on the coding strand, the complement: ACTB is on the minus strand). VCF-style: chr7-5528618-G-A. GRCh37 (hg19) VCF-style: chr7-5568249-G-A.
Other names: c.465C>T (NM_001101.3).
Identifiers: ClinVar variation 1567407 (VCV001567407.9), dbSNP rs760547214, ClinGen allele CA153195620.